The following is an entry in ClinVar:

NM_052867.4(NALCN):c.4297A>C (p.Ile1433Leu)

Gene: NALCN (sodium leak channel, non-selective; minus strand). Cytogenetic location: 13q32.3.
Variant type: single nucleotide variant.
Coding change: c.4297A>C on transcript NM_052867.4 (MANE Select); coding-DNA position 4297, A replaced by C.
Protein change: p.Ile1433Leu; replaces isoleucine 1433 with leucine.
Molecular consequence: missense variant.
Genome position (GRCh38, 1-based): chr13:101,068,728, T>G on the plus strand (A>C on the coding strand, the complement: NALCN is on the minus strand). VCF-style: chr13-101068728-T-G. GRCh37 (hg19) VCF-style: chr13-101721080-T-G.
Other names: c.4384A>C, p.Ile1462Leu (NM_001350748.2); c.4297A>C, p.Ile1433Leu (NM_001350749.2); c.4210A>C, p.Ile1404Leu (NM_001350750.2, NM_001350751.2); short protein forms I1462L, I1404L, I1433L.
Identifiers: ClinVar variation 3893325 (VCV003893325.1).

ClinVar aggregate classification (germline): Uncertain significance (1 of 4 stars; one submission).

Submission:

GeneDx
Classification: Uncertain significance. Last evaluated: 2024-10-22. Review status: criteria provided, single submitter. Criteria: GeneDx Variant Classification Process June 2021. Collection method: clinical testing. Allele origin: germline. Affected: yes.
Comment: Not observed at significant frequency in large population cohorts (gnomAD); In silico analysis indicates that this missense variant does not alter protein structure/function; Has not been previously published as pathogenic or benign to our knowledge